The following is an entry in ClinVar:

NM_001013838.3(CARMIL2):c.1867G>C (p.Asp623His)

Gene: CARMIL2 (capping protein regulator and myosin 1 linker 2; plus strand). Cytogenetic location: 16q22.1.
Variant type: single nucleotide variant.
Coding change: c.1867G>C on transcript NM_001013838.3 (MANE Select); coding-DNA position 1867, G replaced by C.
Protein change: p.Asp623His; replaces aspartic acid 623 with histidine.
Molecular consequence: missense variant.
Genome position (GRCh38, 1-based): chr16:67,649,567, G>C. VCF-style: chr16-67649567-G-C. GRCh37 (hg19) VCF-style: chr16-67683470-G-C.
Other names: c.1759G>C, p.Asp587His (NM_001317026.3); short protein forms D587H, D623H.
Identifiers: ClinVar variation 3643316 (VCV003643316.2).

ClinVar aggregate classification (germline): Uncertain significance (1 of 4 stars; one submission).

gnomAD v4.1: 1 of 1,602,050 alleles (0.000062%); highest among the groups gnomAD compares: Non-Finnish European, 0.000085%; no homozygotes.

Submission:

Labcorp Genetics (formerly Invitae), Labcorp
Classification: Uncertain significance. Last evaluated: 2024-02-25. Review status: criteria provided, single submitter. Criteria: Invitae Variant Classification Sherloc (09022015). Collection method: clinical testing. Allele origin: germline.
Comment: This sequence change replaces aspartic acid, which is acidic and polar, with histidine, which is basic and polar, at codon 623 of the CARMIL2 protein (p.Asp623His). This variant is not present in population databases (gnomAD no frequency). This variant has not been reported in the literature in individuals affected with CARMIL2-related conditions. Advanced modeling of protein sequence and biophysical properties (such as structural, functional, and spatial information, amino acid conservation, physicochemical variation, residue mobility, and thermodynamic stability) performed at Invitae indicates that this missense variant is expected to disrupt CARMIL2 protein function with a positive predictive value of 80%. In summary, the available evidence is currently insufficient to determine the role of this variant in disease. Therefore, it has been classified as a Variant of Uncertain Significance.